The following is an entry in ClinVar:

ClinVar aggregate classification (germline): Uncertain significance (1 of 4 stars; one submission).

Conditions:
Progressive sclerosing poliodystrophy (MTDPS4A). Also called: ALPERS PROGRESSIVE INFANTILE POLIODYSTROPHY; NEURONAL DEGENERATION OF CHILDHOOD WITH LIVER DISEASE, PROGRESSIVE; Alpers Syndrome; ALPERS DIFFUSE DEGENERATION OF CEREBRAL GRAY MATTER WITH HEPATIC CIRRHOSIS; Alpers-Huttenlocher Syndrome; Mitochondrial DNA depletion syndrome 4A (Alpers type). Identifiers: Orphanet 726, MedGen C0205710, MONDO:0008758, OMIM 203700.

Submission:

Labcorp Genetics (formerly Invitae), Labcorp
Classification: Uncertain significance for Progressive sclerosing poliodystrophy. Last evaluated: 2024-09-21. Review status: criteria provided, single submitter. Criteria: Invitae Variant Classification Sherloc (09022015). Collection method: clinical testing. Allele origin: germline.
Comment: This sequence change replaces valine, which is neutral and non-polar, with leucine, which is neutral and non-polar, at codon 1114 of the POLG protein (p.Val1114Leu). This variant is not present in population databases (gnomAD no frequency). This variant has not been reported in the literature in individuals affected with POLG-related conditions. Invitae Evidence Modeling of protein sequence and biophysical properties (such as structural, functional, and spatial information, amino acid conservation, physicochemical variation, residue mobility, and thermodynamic stability) indicates that this missense variant is expected to disrupt POLG protein function with a positive predictive value of 95%. In summary, the available evidence is currently insufficient to determine the role of this variant in disease. Therefore, it has been classified as a Variant of Uncertain Significance.

NM_002693.3(POLG):c.3340G>T (p.Val1114Leu)

Gene: POLG (DNA polymerase gamma, catalytic subunit; minus strand). Cytogenetic location: 15q26.1.
Variant type: single nucleotide variant.
Coding change: c.3340G>T on transcript NM_002693.3 (MANE Select); coding-DNA position 3340, G replaced by T.
Protein change: p.Val1114Leu; replaces valine 1114 with leucine.
Molecular consequence: missense variant.
Genome position (GRCh38, 1-based): chr15:89,318,683, C>A on the plus strand (G>T on the coding strand, the complement: POLG is on the minus strand). VCF-style: chr15-89318683-C-A. GRCh37 (hg19) VCF-style: chr15-89861914-C-A.
Other names: c.3340G>T, p.Val1114Leu (NM_001126131.2); short protein forms V1114L.
Identifiers: ClinVar variation 3697488 (VCV003697488.2).